The following is an entry in ClinVar:

ClinVar aggregate classification (germline): Conflicting classifications of pathogenicity. Review status: criteria provided, conflicting classifications (1 of 4 stars). 6 submissions from 6 submitters: Uncertain significance (1); Likely benign (4). 1 of the submissions does not count toward it. Last evaluated 2025-12-29.

Conditions:
Autosomal recessive nonsyndromic hearing loss 66 (DFNB66). Also called: Deafness, autosomal recessive 66. Identifiers: Orphanet 90636, MedGen C1857750, MONDO:0012442, OMIM 610212.
Isolated neonatal sclerosing cholangitis (NSC). Also called: Sclerosing cholangitis, neonatal. Identifiers: Orphanet 480556, MedGen C4479344, MONDO:0018816, OMIM 617394.
DCDC2-related disorder. Also called: DCDC2-related condition.

Allele frequency attached by ClinVar (database versions not stated): TOPMed 0.00018; gnomAD 0.00022 and 0.00023; ESP Exome Variant Server 0.00023; gnomAD exomes 0.00030; ExAC 0.00032.
gnomAD v4.1: 366 of 1,613,552 alleles (0.023%); highest among the groups gnomAD compares: Middle Eastern, 0.082%; 1 homozygote.

Submissions (6):

Labcorp Genetics (formerly Invitae), Labcorp
Classification: Likely benign for Autosomal recessive nonsyndromic hearing loss 66; Isolated neonatal sclerosing cholangitis. Last evaluated: 2025-12-29. Review status: criteria provided, single submitter. Criteria: Invitae Variant Classification Sherloc (09022015). Collection method: clinical testing. Allele origin: germline.

Blueprint Genetics
Classification: Likely benign. Last evaluated: 2024-08-13. Review status: criteria provided, single submitter. Criteria: ACMG Guidelines, 2015. Collection method: clinical testing. Allele origin: germline.

GeneDx
Classification: Likely benign. Last evaluated: 2018-09-20. Review status: criteria provided, single submitter. Criteria: GeneDx Variant Classification Process June 2021. Collection method: clinical testing. Allele origin: germline. Affected: yes.

Genetic Services Laboratory, University of Chicago
Classification: Likely benign. Last evaluated: 2018-08-21. Review status: criteria provided, single submitter. Criteria: ACMG Guidelines, 2015. Collection method: clinical testing. Allele origin: germline. Affected: no.

Eurofins Ntd Llc (ga)
Classification: Uncertain significance. Last evaluated: 2018-07-05. Review status: criteria provided, single submitter. Criteria: EGL ClinVar v180209 classification definitions. Collection method: clinical testing. Allele origin: germline. Observed: 2 variant alleles, 2 heterozygotes.

PreventionGenetics, part of Exact Sciences
Classification: Likely benign for DCDC2-related condition. Last evaluated: 2021-05-07. Review status: no assertion criteria provided. Collection method: clinical testing. Allele origin: germline. Not counted in ClinVar's aggregate classification.
Comment: This variant is classified as likely benign based on ACMG/AMP sequence variant interpretation guidelines (Richards et al. 2015 PMID: 25741868, with internal and published modifications).

NM_016356.5(DCDC2):c.222C>A (p.Ile74=)

Genes: DCDC2 (doublecortin domain containing 2; minus strand), KAAG1 (kidney associated DCDC2 antisense RNA 1; plus strand). Cytogenetic location: 6p22.3.
Variant type: single nucleotide variant.
Coding change: c.222C>A on transcript NM_016356.5 (MANE Select); coding-DNA position 222, C replaced by A.
Protein change: p.Ile74=; no amino-acid change (isoleucine 74 retained).
Molecular consequence: synonymous variant.
Genome position (GRCh38, 1-based): chr6:24,357,529, G>T on the plus strand (C>A on the coding strand, the complement: DCDC2 is on the minus strand). VCF-style: chr6-24357529-G-T. GRCh37 (hg19) VCF-style: chr6-24357757-G-T.
Other names: c.222C>A, p.Ile74= (NM_001195610.2).
Identifiers: ClinVar variation 502350 (VCV000502350.24), dbSNP rs138670560, ClinGen allele CA3654860.